The following is an entry in ClinVar:

ClinVar aggregate classification (germline): Uncertain significance (1 of 4 stars; one submission).

Conditions:
Cardiomyopathy (CMYO). Also called: Cardiomyopathies. Identifiers: Orphanet 167848, MedGen C0878544, MONDO:0004994, HP:0001638. Inheritance: Various modes of inheritance.

Submission:

Color Diagnostics, LLC DBA Color Health
Classification: Uncertain significance for Cardiomyopathy. Last evaluated: 2018-12-06. Review status: criteria provided, single submitter. Criteria: ACMG Guidelines, 2015. Collection method: clinical testing. Allele origin: germline.
Comment: Variant of Uncertain Significance due to insufficient evidence: This variant causes a deletion of 4 nucleotides in the 5' untranslated region of the MYL2 gene (c.-16_-13del). To our knowledge, functional assays have not been performed for this variant nor has this variant been reported in individuals affected with cardiovascular disorders in the literature. This variant is rare in the general population and has been identified in 0/277264 chromosomes by the Genome Aggregation Database (gnomAD). Available evidence is insufficient to determine the pathogenicity of this variant conclusively.

NM_000432.4(MYL2):c.-16_-13del

Genes: MYL2 (myosin light chain 2; minus strand), LOC114827850 (VISTA enhancer hs2149; plus strand). Cytogenetic location: 12q24.11.
Variant type: Deletion.
Coding change: c.-16_-13del on transcript NM_000432.4 (MANE Select); 16 bases upstream of the start codon through 13 bases upstream of the start codon, 4 bases deleted (CTGG; older notation c.-16_-13delCTGG).
Molecular consequence: 5 prime UTR variant.
Genome position (GRCh38, 1-based): chr12:110,920,542-110,920,545, CCAG deleted on the plus strand (CTGG on the coding strand, the reverse complement: MYL2 is on the minus strand); deleting any 4 consecutive bases within chr12:110,920,542-110,920,546 gives the same sequence; the c. name uses the placement nearest the transcript's 3' end. VCF-style (leftmost placement, unchanged base first): chr12-110920541-CCCAG-C. GRCh37 (hg19) VCF-style: chr12-111358345-CCCAG-C.
Identifiers: ClinVar variation 922798 (VCV000922798.3), dbSNP rs2071716291, ClinGen allele CA913188527.